The following is an entry in ClinVar:

ClinVar aggregate classification (germline): Uncertain significance. Review status: criteria provided, multiple submitters, no conflicts (2 of 4 stars). 2 submissions from 2 submitters: Uncertain significance (2). Last evaluated 2024-11-15.

Conditions:
Inborn genetic diseases. Identifiers: MedGen C0950123, MeSH D030342.

Allele frequency attached by ClinVar (database versions not stated): gnomAD exomes 0.00003; ExAC 0.00007; 1000 Genomes Project 30x 0.00016; 1000 Genomes Project 0.00020; ESP Exome Variant Server 0.00031; gnomAD 0.00036; TOPMed 0.00037.
gnomAD v4.1: 100 of 1,614,122 alleles (0.0062%); highest among the groups gnomAD compares: African/African-American, 0.11%; no homozygotes.

Submissions (2):

Ambry Genetics
Classification: Uncertain significance for Inborn genetic diseases. Last evaluated: 2024-11-15. Review status: criteria provided, single submitter. Criteria: Ambry Variant Classification Scheme 2023. Collection method: clinical testing. Allele origin: germline.

Labcorp Genetics (formerly Invitae), Labcorp
Classification: Uncertain significance. Last evaluated: 2022-08-09. Review status: criteria provided, single submitter. Criteria: Invitae Variant Classification Sherloc (09022015). Collection method: clinical testing. Allele origin: germline.
Comment: This sequence change replaces arginine, which is basic and polar, with cysteine, which is neutral and slightly polar, at codon 176 of the SLC25A42 protein (p.Arg176Cys). This variant is present in population databases (rs149585119, gnomAD 0.1%). This variant has not been reported in the literature in individuals affected with SLC25A42-related conditions. Algorithms developed to predict the effect of missense changes on protein structure and function (SIFT, PolyPhen-2, Align-GVGD) all suggest that this variant is likely to be disruptive. In summary, the available evidence is currently insufficient to determine the role of this variant in disease. Therefore, it has been classified as a Variant of Uncertain Significance.

NM_178526.5(SLC25A42):c.526C>T (p.Arg176Cys)

Gene: SLC25A42 (solute carrier family 25 member 42; plus strand). Cytogenetic location: 19p13.11.
Variant type: single nucleotide variant.
Coding change: c.526C>T on transcript NM_178526.5 (MANE Select); coding-DNA position 526, C replaced by T.
Protein change: p.Arg176Cys; replaces arginine 176 with cysteine.
Molecular consequence: missense variant.
Genome position (GRCh38, 1-based): chr19:19,107,922, C>T. VCF-style: chr19-19107922-C-T. GRCh37 (hg19) VCF-style: chr19-19218731-C-T.
Other names: c.526C>T, p.Arg176Cys (NM_001321544.2); c.526C>T (NM_178526.3); short protein forms R176C.
Identifiers: ClinVar variation 2079155 (VCV002079155.2), dbSNP rs149585119, ClinGen allele CA9321524.